The following is an entry in ClinVar:

ClinVar aggregate classification (germline): Likely benign (1 of 4 stars; one submission).

Submission:

CeGaT Center for Human Genetics Tuebingen
Classification: Likely benign. Last evaluated: 2025-06-01. Review status: criteria provided, single submitter. Criteria: CeGaT Center For Human Genetics Tuebingen Variant Classification Criteria Version 2. Collection method: clinical testing. Allele origin: germline. Affected: yes. Observed: 1 variant allele.
Comment: TPRX1: BP4, BP7

NM_001397346.1(TPRX1):c.879G>A (p.Pro293=)

Gene: TPRX1 (tetrapeptide repeat homeobox 1; minus strand). Cytogenetic location: 19q13.33.
Variant type: single nucleotide variant.
Coding change: c.879G>A on transcript NM_001397346.1 (MANE Select); coding-DNA position 879, G replaced by A.
Protein change: p.Pro293=; no amino-acid change (proline 293 retained).
Molecular consequence: synonymous variant.
Genome position (GRCh38, 1-based): chr19:47,802,297, C>T on the plus strand (G>A on the coding strand, the complement: TPRX1 is on the minus strand). VCF-style: chr19-47802297-C-T. GRCh37 (hg19) VCF-style: chr19-48305554-C-T.
Other names: c.1005G>A, p.Pro335= (NM_198479.3).
Identifiers: ClinVar variation 4083629 (VCV004083629.8).